The following is an entry in ClinVar:

ClinVar aggregate classification (germline): Uncertain significance. Review status: criteria provided, multiple submitters, no conflicts (2 of 4 stars). 2 submissions from 2 submitters: Uncertain significance (2). Last evaluated 2023-06-19.

Conditions:
Immunodeficiency 51 (IMD51). Also called: CANDIDIASIS, FAMILIAL, 5. Identifiers: Orphanet 1334, MedGen C4310803, MONDO:0013500, OMIM 613953.

Allele frequency attached by ClinVar (database versions not stated): TOPMed below 0.00001; gnomAD 0.00001; gnomAD exomes 0.00002 and 0.00003; ExAC 0.00006.
gnomAD v4.1: 29 of 1,614,112 alleles (0.0018%); highest among the groups gnomAD compares: Non-Finnish European, 0.0019%; no homozygotes.

Submissions (2):

Blueprint Genetics
Classification: Uncertain significance. Last evaluated: 2023-06-19. Review status: criteria provided, single submitter. Criteria: ACMG Guidelines, 2015. Collection method: clinical testing. Allele origin: germline.

Labcorp Genetics (formerly Invitae), Labcorp
Classification: Uncertain significance for Immunodeficiency 51. Last evaluated: 2022-04-26. Review status: criteria provided, single submitter. Criteria: Invitae Variant Classification Sherloc (09022015). Collection method: clinical testing. Allele origin: germline.
Comment: In summary, the available evidence is currently insufficient to determine the role of this variant in disease. Therefore, it has been classified as a Variant of Uncertain Significance. Algorithms developed to predict the effect of missense changes on protein structure and function are either unavailable or do not agree on the potential impact of this missense change (SIFT: "Deleterious"; PolyPhen-2: "Probably Damaging"; Align-GVGD: "Class C0"). ClinVar contains an entry for this variant (Variation ID: 953753). This variant has not been reported in the literature in individuals affected with IL17RA-related conditions. This variant is present in population databases (rs753793215, gnomAD 0.006%). This sequence change replaces phenylalanine, which is neutral and non-polar, with leucine, which is neutral and non-polar, at codon 287 of the IL17RA protein (p.Phe287Leu).

NM_014339.7(IL17RA):c.859T>C (p.Phe287Leu)

Gene: IL17RA (interleukin 17 receptor A; plus strand). Cytogenetic location: 22q11.1.
Variant type: single nucleotide variant.
Coding change: c.859T>C on transcript NM_014339.7 (MANE Select); coding-DNA position 859, T replaced by C.
Protein change: p.Phe287Leu; replaces phenylalanine 287 with leucine.
Molecular consequence: missense variant.
Genome position (GRCh38, 1-based): chr22:17,104,738, T>C. VCF-style: chr22-17104738-T-C. GRCh37 (hg19) VCF-style: chr22-17585628-T-C.
Other names: c.859T>C, p.Phe287Leu (NM_001289905.2); short protein forms F287L.
Identifiers: ClinVar variation 953753 (VCV000953753.10), dbSNP rs753793215, ClinGen allele CA10086522.